The following is an entry in ClinVar:

NM_004360.5(CDH1):c.2475G>A (p.Pro825=)

Gene: CDH1 (cadherin 1; plus strand). Cytogenetic location: 16q22.1.
Variant type: single nucleotide variant.
Coding change: c.2475G>A on transcript NM_004360.5 (MANE Select); coding-DNA position 2475, G replaced by A.
Protein change: p.Pro825=; no amino-acid change (proline 825 retained).
Molecular consequence: synonymous variant.
Genome position (GRCh38, 1-based): chr16:68,833,325, G>A. VCF-style: chr16-68833325-G-A. GRCh37 (hg19) VCF-style: chr16-68867228-G-A.
Other names: c.2292G>A, p.Pro764= (NM_001317184.2); c.927G>A, p.Pro309= (NM_001317185.2); c.510G>A, p.Pro170= (NM_001317186.2); c.2475G>A (LRG_301t1).
Identifiers: ClinVar variation 230294 (VCV000230294.32), dbSNP rs755658014, ClinGen allele CA8130298.

ClinVar aggregate classification (germline): Benign/Likely benign. Review status: criteria provided, multiple submitters, no conflicts (2 of 4 stars). 10 submissions from 10 submitters: Benign (1); Likely benign (9). Last evaluated 2025-11-24.

Conditions:
CDH1-related diffuse gastric and lobular breast cancer syndrome. Also called: CDH1-related diffuse gastric and lobular breast cancer. Identifiers: MedGen CN311521, MONDO:0100488.
CDH1-related disorder. Also called: CDH1-related condition.
Hereditary cancer-predisposing syndrome. Also called: Neoplastic Syndromes, Hereditary; Tumor predisposition; Hereditary Cancer Syndrome; Hereditary neoplastic syndrome. Identifiers: Orphanet 140162, MedGen C0027672, MeSH D009386, MONDO:0015356.
Hereditary diffuse gastric adenocarcinoma (HDGC). Also called: DIFFUSE GASTRIC AND LOBULAR BREAST CANCER SYNDROME. Identifiers: Orphanet 26106, MedGen C1708349, MONDO:0007648, OMIM 137215.

Allele frequency attached by ClinVar (database versions not stated): gnomAD exomes below 0.00001; ExAC 0.00001; TOPMed 0.00001.
gnomAD v4.1: 4 of 1,614,092 alleles (0.00025%); highest among the groups gnomAD compares: East Asian, 0.0045%; no homozygotes.

Submissions (10):

Labcorp Genetics (formerly Invitae), Labcorp
Classification: Likely benign for Hereditary diffuse gastric adenocarcinoma. Last evaluated: 2025-11-24. Review status: criteria provided, single submitter. Criteria: Invitae Variant Classification Sherloc (09022015). Collection method: clinical testing. Allele origin: germline.

PreventionGenetics, part of Exact Sciences
Classification: Likely benign for CDH1-related condition. Last evaluated: 2025-08-11. Review status: criteria provided, single submitter. Criteria: ACMG Guidelines, 2015. Collection method: clinical testing. Allele origin: germline.
Comment: This variant is classified as likely benign based on ACMG/AMP sequence variant interpretation guidelines (Richards et al. 2015 PMID: 25741868, with internal and published modifications).

Myriad Genetics, Inc.
Classification: Benign for Hereditary diffuse gastric adenocarcinoma. Last evaluated: 2024-09-24. Review status: criteria provided, single submitter. Criteria: Myriad Autosomal Dominant, Autosomal Recessive and X-Linked Classification Criteria (2023). Collection method: clinical testing. Allele origin: unknown.
Comment: This variant is considered benign. This variant is a silent/synonymous amino acid change and it is not expected to impact splicing.

Women's Health and Genetics/Laboratory Corporation of America, LabCorp
Classification: Likely benign. Last evaluated: 2024-06-27. Review status: criteria provided, single submitter. Criteria: LabCorp Variant Classification Summary - May 2015. Collection method: clinical testing. Allele origin: germline.

Department of Pathology and Laboratory Medicine, Sinai Health System
Classification: Likely benign for CDH1-related diffuse gastric and lobular breast cancer syndrome. Last evaluated: 2024-06-26. Review status: criteria provided, single submitter. Criteria: ACMG Guidelines, 2015. Collection method: clinical testing. Allele origin: germline. Affected: no.

Quest Diagnostics Nichols Institute San Juan Capistrano
Classification: Likely benign. Last evaluated: 2023-08-22. Review status: criteria provided, single submitter. Criteria: Quest Diagnostics criteria. Collection method: clinical testing. Allele origin: unknown.

GeneDx
Classification: Likely benign. Last evaluated: 2021-01-08. Review status: criteria provided, single submitter. Criteria: GeneDx Variant Classification Process June 2021. Collection method: clinical testing. Allele origin: germline. Affected: yes.

ARUP Laboratories, Molecular Genetics and Genomics, ARUP Laboratories
Classification: Likely benign. Last evaluated: 2019-02-06. Review status: criteria provided, single submitter. Criteria: ARUP Molecular Germline Variant Investigation Process. Collection method: clinical testing. Allele origin: germline.

Color Diagnostics, LLC DBA Color Health
Classification: Likely benign for Hereditary cancer-predisposing syndrome. Last evaluated: 2017-06-29. Review status: criteria provided, single submitter. Criteria: ACMG Guidelines, 2015. Collection method: clinical testing. Allele origin: germline.

Ambry Genetics
Classification: Likely benign for Hereditary cancer-predisposing syndrome. Last evaluated: 2015-02-17. Review status: criteria provided, single submitter. Criteria: Ambry Variant Classification Scheme 2023. Collection method: clinical testing. Allele origin: germline.

Literature cited by the submitters: PubMed 30287823 (cited by Department of Pathology and Laboratory Medicine, Sinai Health System and Quest Diagnostics Nichols Institute San Juan Capistrano).